The following is an entry in ClinVar:

NM_000548.5(TSC2):c.4693G>A (p.Glu1565Lys)

Gene: TSC2 (TSC complex subunit 2; plus strand). Cytogenetic location: 16p13.3.
Variant type: single nucleotide variant.
Coding change: c.4693G>A on transcript NM_000548.5 (MANE Select); coding-DNA position 4693, G replaced by A.
Protein change: p.Glu1565Lys; replaces glutamic acid 1565 with lysine.
Molecular consequence: missense variant. On other transcripts: non-coding transcript variant (5).
Genome position (GRCh38, 1-based): chr16:2,086,223, G>A. VCF-style: chr16-2086223-G-A. GRCh37 (hg19) VCF-style: chr16-2136224-G-A.
Other names: c.4492G>A, p.Glu1498Lys (NM_001077183.3); c.4624G>A, p.Glu1542Lys (NM_001114382.3); c.4384G>A, p.Glu1462Lys (NM_001318827.2); c.4348G>A, p.Glu1450Lys (NM_001318829.2); c.3961G>A, p.Glu1321Lys (NM_001318831.2); c.4525G>A, p.Glu1509Lys (NM_001318832.2); c.4495G>A, p.Glu1499Lys (NM_001363528.2); c.4477G>A, p.Glu1493Lys (NM_001406675.1); and 26 more; short protein forms E1051K, E1299K, E1342K, E1345K, E1449K, E1492K, E1493K, E1528K.
Identifiers: ClinVar variation 5031321 (VCV005031321.1).

ClinVar aggregate classification (germline): Uncertain significance (1 of 4 stars; one submission).

Conditions:
Hereditary cancer-predisposing syndrome. Also called: Neoplastic Syndromes, Hereditary; Tumor predisposition; Hereditary neoplastic syndrome; Hereditary Cancer Syndrome. Identifiers: Orphanet 140162, MedGen C0027672, MeSH D009386, MONDO:0015356.

Submission:

Ambry Genetics
Classification: Uncertain significance for Hereditary cancer-predisposing syndrome. Last evaluated: 2026-07-06. Review status: criteria provided, single submitter. Criteria: Ambry Variant Classification Scheme 2023. Collection method: clinical testing. Allele origin: germline.
Comment: The p.E1565K variant (also known as c.4693G>A), located in coding exon 36 of the TSC2 gene, results from a G to A substitution at nucleotide position 4693. The glutamic acid at codon 1565 is replaced by lysine, an amino acid with similar properties. This amino acid position is conserved. In addition, this alteration is predicted to be deleterious by in silico analysis. Based on the available evidence, the clinical significance of this variant remains unclear.